The following is an entry in ClinVar:

ClinVar aggregate classification (germline): Likely benign. Review status: criteria provided, single submitter (1 of 4 stars). 2 submissions from 2 submitters: Likely benign (1). 1 of the submissions does not count toward it. Last evaluated 2023-11-29.

Conditions:
PCNT-related disorder. Also called: PCNT-related condition.

Allele frequency attached by ClinVar (database versions not stated): gnomAD 0.00002; TOPMed 0.00003; ESP Exome Variant Server 0.00015.
gnomAD v4.1: 26 of 1,613,612 alleles (0.0016%); highest among the groups gnomAD compares: African/African-American, 0.0027%; no homozygotes.

Submissions (2):

Labcorp Genetics (formerly Invitae), Labcorp
Classification: Likely benign. Last evaluated: 2023-11-29. Review status: criteria provided, single submitter. Criteria: Invitae Variant Classification Sherloc (09022015). Collection method: clinical testing. Allele origin: germline.

PreventionGenetics, part of Exact Sciences
Classification: Likely benign for PCNT-related condition. Last evaluated: 2023-03-05. Review status: no assertion criteria provided. Collection method: clinical testing. Allele origin: germline. Not counted in ClinVar's aggregate classification.
Comment: This variant is classified as likely benign based on ACMG/AMP sequence variant interpretation guidelines (Richards et al. 2015 PMID: 25741868, with internal and published modifications).

NM_006031.6(PCNT):c.4941A>G (p.Ala1647=)

Gene: PCNT (pericentrin; plus strand). Cytogenetic location: 21q22.3.
Variant type: single nucleotide variant.
Coding change: c.4941A>G on transcript NM_006031.6 (MANE Select); coding-DNA position 4941, A replaced by G.
Protein change: p.Ala1647=; no amino-acid change (alanine 1647 retained).
Molecular consequence: synonymous variant.
Genome position (GRCh38, 1-based): chr21:46,401,700, A>G. VCF-style: chr21-46401700-A-G. GRCh37 (hg19) VCF-style: chr21-47821614-A-G.
Other names: c.4941A>G (NM_006031.5); c.4587A>G, p.Ala1529= (NM_001315529.2).
Identifiers: ClinVar variation 1981121 (VCV001981121.6), dbSNP rs373268532, ClinGen allele CA10079819.